The following is an entry in ClinVar:

ClinVar aggregate classification (germline): Pathogenic. Review status: criteria provided, single submitter (1 of 4 stars). 2 submissions from 2 submitters: Pathogenic (1). 1 of the submissions does not count toward it. Last evaluated 2023-09-06.

Conditions:
Maple syrup urine disease type 1A (MSUD1A). Also called: MSUD type 1A. Identifiers: MedGen C1855369, MONDO:0023691, OMIM 248600.
Maple syrup urine disease (MSUD). Identifiers: Orphanet 511, MedGen C0024776, MeSH D008375, MONDO:0009563. Disease mechanism: loss of function.

Allele frequency attached by ClinVar (database versions not stated): gnomAD exomes below 0.00001; TOPMed below 0.00001; ExAC 0.00001; gnomAD 0.00001.
gnomAD v4.1: 7 of 1,607,542 alleles (0.00044%); highest among the groups gnomAD compares: Admixed American, 0.0017%; no homozygotes.

Submissions (2):

Labcorp Genetics (formerly Invitae), Labcorp
Classification: Pathogenic for Maple syrup urine disease. Last evaluated: 2023-09-06. Review status: criteria provided, single submitter. Criteria: Invitae Variant Classification Sherloc (09022015). Collection method: clinical testing. Allele origin: germline.
Comment: ClinVar contains an entry for this variant (Variation ID: 557496). This sequence change creates a premature translational stop signal (p.Glu61*) in the BCKDHB gene. It is expected to result in an absent or disrupted protein product. Loss-of-function variants in BCKDHB are known to be pathogenic (PMID: 16786533, 22593002). The frequency data for this variant in the population databases is considered unreliable, as metrics indicate poor data quality at this position in the gnomAD database. This variant has not been reported in the literature in individuals affected with BCKDHB-related conditions. Algorithms developed to predict the effect of sequence changes on RNA splicing suggest that this variant may create or strengthen a splice site. For these reasons, this variant has been classified as Pathogenic.

Counsyl
Classification: Likely pathogenic for Maple syrup urine disease type 1A. Last evaluated: 2018-03-27. Review status: no assertion criteria provided. Collection method: clinical testing. Allele origin: unknown. Not counted in ClinVar's aggregate classification.

Literature cited by the submitters: PubMed 16786533 (cited by Labcorp Genetics (formerly Invitae), Labcorp); PubMed 22593002 (cited by Labcorp Genetics (formerly Invitae), Labcorp).

NM_183050.4(BCKDHB):c.181G>T (p.Glu61Ter)

Gene: BCKDHB (branched chain keto acid dehydrogenase E1 subunit beta; plus strand). Cytogenetic location: 6q14.1.
Variant type: single nucleotide variant.
Coding change: c.181G>T on transcript NM_183050.4 (MANE Select); coding-DNA position 181, G replaced by T.
Protein change: p.Glu61Ter; replaces glutamic acid 61 with a stop codon.
Molecular consequence: nonsense. On other transcripts: non-coding transcript variant (1), intron variant (1).
Genome position (GRCh38, 1-based): chr6:80,106,874, G>T. VCF-style: chr6-80106874-G-T. GRCh37 (hg19) VCF-style: chr6-80816591-G-T.
Other names: c.181G>T, p.Glu61Ter (NM_000056.5); c.-15+191G>T (NM_001318975.1); short protein forms E61*.
Identifiers: ClinVar variation 557496 (VCV000557496.5), dbSNP rs774916970, ClinGen allele CA3902516.